The following is an entry in ClinVar:

ClinVar aggregate classification (germline): Uncertain significance (1 of 4 stars; one submission).

Conditions:
NIK deficiency. Also called: Primary immunodeficiency with multifaceted aberrant lymphoid immunity. Identifiers: Orphanet 447731, MedGen C5680065, MONDO:0018642.

Submission:

Labcorp Genetics (formerly Invitae), Labcorp
Classification: Uncertain significance for NIK deficiency. Last evaluated: 2021-04-14. Review status: criteria provided, single submitter. Criteria: Invitae Variant Classification Sherloc (09022015). Collection method: clinical testing. Allele origin: germline.
Comment: This sequence change replaces leucine with arginine at codon 634 of the MAP3K14 protein (p.Leu634Arg). The leucine residue is highly conserved and there is a moderate physicochemical difference between leucine and arginine. This variant is not present in population databases (ExAC no frequency). This variant has not been reported in the literature in individuals with MAP3K14-related conditions. Experimental studies and prediction algorithms are not available or were not evaluated, and the functional significance of this variant is currently unknown. In summary, the available evidence is currently insufficient to determine the role of this variant in disease. Therefore, it has been classified as a Variant of Uncertain Significance.

NM_003954.5(MAP3K14):c.1901T>G (p.Leu634Arg)

Gene: MAP3K14 (mitogen-activated protein kinase kinase kinase 14; minus strand). Cytogenetic location: 17q21.31.
Variant type: single nucleotide variant.
Coding change: c.1901T>G on transcript NM_003954.5 (MANE Select); coding-DNA position 1901, T replaced by G.
Protein change: p.Leu634Arg; replaces leucine 634 with arginine.
Molecular consequence: missense variant.
Genome position (GRCh38, 1-based): chr17:45,270,484, A>C on the plus strand (T>G on the coding strand, the complement: MAP3K14 is on the minus strand). VCF-style: chr17-45270484-A-C. GRCh37 (hg19) VCF-style: chr17-43347851-A-C.
Other names: short protein forms L634R.
Identifiers: ClinVar variation 1521838 (VCV001521838.6), dbSNP rs2143782567, ClinGen allele CA399878784.
Genomic context (GRCh38, chr17:45,270,484, plus strand): 5'-GCCCGGTTCACCTTCCCTCCCAGCTCCGCTGCAGACACGCGGTGGATGGGCTCTTTCCTC[A>C]GCCCCTCTTGGATGGCCTGGGCTGTGAGAGGGGCGCAGGAGGGTGGGATCTCCCTCACAG-3'
Protein context (NP_003945.2, residues 624-644): PLTAQAIQEG[Leu634Arg]RKEPIHRVSA